The following is an entry in ClinVar:

ClinVar aggregate classification (germline): Benign/Likely benign. Review status: criteria provided, multiple submitters, no conflicts (2 of 4 stars). 6 submissions from 6 submitters: Benign (1); Likely benign (4). 1 of the submissions does not count toward it. Last evaluated 2026-01-17.

Conditions:
ALAS2-related disorder. Also called: ALAS2-related condition.
X-linked sideroblastic anemia 1. Also called: Erythroid 5-aminolevulinate synthase deficiency; X chromosome-linked sideroblastic anemia; X-linked pyridoxine-refractory sideroblastic anemia; ANEMIA, SIDEROBLASTIC, 1, PYRIDOXINE REFRACTORY; Anemia, hereditary sideroblastic 1, pyridoxine refractory; Anemia, sideroblastic, 1. Identifiers: Orphanet 75563, MedGen C4551511, MONDO:0020721, OMIM 300751. Disease mechanism: loss of function.

Allele frequency attached by ClinVar (database versions not stated): gnomAD exomes 0.00054 and 0.00085; gnomAD 0.00075 and 0.00077; TOPMed 0.00078; ExAC 0.00095; ESP Exome Variant Server 0.00123.
gnomAD v4.1: 975 of 1,175,239 alleles (0.083%); highest among the groups gnomAD compares: Non-Finnish European, 0.1%; 2 homozygotes.

Submissions (6):

Labcorp Genetics (formerly Invitae), Labcorp
Classification: Likely benign. Last evaluated: 2026-01-17. Review status: criteria provided, single submitter. Criteria: Invitae Variant Classification Sherloc (09022015). Collection method: clinical testing. Allele origin: germline.

Mayo Clinic Laboratories, Mayo Clinic
Classification: Likely benign. Last evaluated: 2025-05-27. Review status: criteria provided, single submitter. Criteria: ACMG Guidelines, 2015. Collection method: clinical testing. Allele origin: germline. Observed: 1 variant allele.
Comment: BS1, BS2

Blueprint Genetics
Classification: Likely benign. Last evaluated: 2024-11-21. Review status: criteria provided, single submitter. Criteria: ACMG Guidelines, 2015. Collection method: clinical testing. Allele origin: germline.

Illumina Laboratory Services, Illumina
Classification: Benign for X-linked sideroblastic anemia 1. Last evaluated: 2018-01-13. Review status: criteria provided, single submitter. Criteria: ICSL Variant Classification Criteria 13 December 2019. Collection method: clinical testing. Allele origin: germline.
Comment: This variant was observed in the ICSL laboratory as part of a predisposition screen in an ostensibly healthy population. It had not been previously curated by ICSL or reported in the Human Gene Mutation Database (HGMD: prior to June 1st, 2018), and was therefore a candidate for classification through an automated scoring system. Utilizing variant allele frequency, disease prevalence and penetrance estimates, and inheritance mode, an automated score was calculated to assess if this variant is too frequent to cause the disease. Based on the score and internal cut-off values, a variant classified as benign is not then subjected to further curation. The score for this variant resulted in a classification of benign for this disease.

GeneDx
Classification: Likely benign. Last evaluated: 2017-04-05. Review status: criteria provided, single submitter. Criteria: GeneDx Variant Classification (06012015). Collection method: clinical testing. Allele origin: germline. Affected: yes.
Comment: This variant is considered likely benign or benign based on one or more of the following criteria: it is a conservative change, it occurs at a poorly conserved position in the protein, it is predicted to be benign by multiple in silico algorithms, and/or has population frequency not consistent with disease.

PreventionGenetics, part of Exact Sciences
Classification: Likely benign for ALAS2-related condition. Last evaluated: 2024-03-14. Review status: no assertion criteria provided. Collection method: clinical testing. Allele origin: germline. Not counted in ClinVar's aggregate classification.
Comment: This variant is classified as likely benign based on ACMG/AMP sequence variant interpretation guidelines (Richards et al. 2015 PMID: 25741868, with internal and published modifications).

NM_000032.5(ALAS2):c.1436G>A (p.Arg479Gln)

Gene: ALAS2 (5'-aminolevulinate synthase 2; minus strand). Cytogenetic location: Xp11.21.
Variant type: single nucleotide variant.
Coding change: c.1436G>A on transcript NM_000032.5 (MANE Select); coding-DNA position 1436, G replaced by A.
Protein change: p.Arg479Gln; replaces arginine 479 with glutamine.
Molecular consequence: missense variant.
Genome position (GRCh38, 1-based): chrX:55,014,748, C>T on the plus strand (G>A on the coding strand, the complement: ALAS2 is on the minus strand). VCF-style: chrX-55014748-C-T. GRCh37 (hg19) VCF-style: chrX-55041181-C-T.
Other names: p.R479Q:CGG>CAG; p.Arg479Gln; c.1436G>A, p.Arg479Gln (LRG_1163t1); c.1325G>A, p.Arg442Gln (NM_001037967.4); c.1397G>A, p.Arg466Gln (NM_001037968.4); short protein forms R479Q, R466Q, R442Q.
Identifiers: ClinVar variation 214087 (VCV000214087.16), dbSNP rs141305388, ClinGen allele CA324485.